The following is an entry in ClinVar:

ClinVar aggregate classification (germline): Uncertain significance (1 of 4 stars; one submission).

Conditions:
Familial adenomatous polyposis 1 (FAP1). Also called: FAMILIAL ADENOMATOUS POLYPOSIS 1, ATTENUATED; POLYPOSIS, ADENOMATOUS INTESTINAL. Identifiers: MedGen C2713442, MONDO:0021056, OMIM 175100. Disease mechanism: loss of function.

Submission:

Labcorp Genetics (formerly Invitae), Labcorp
Classification: Uncertain significance for Familial adenomatous polyposis 1. Last evaluated: 2024-06-17. Review status: criteria provided, single submitter. Criteria: Invitae Variant Classification Sherloc (09022015). Collection method: clinical testing. Allele origin: germline.
Comment: This variant occurs in a non-coding region of the APC gene. It does not change the encoded amino acid sequence of the APC protein. This variant is not present in population databases (gnomAD no frequency). This variant has not been reported in the literature in individuals affected with APC-related conditions. Experimental studies and prediction algorithms are not available or were not evaluated, and the functional significance of this variant is currently unknown. In summary, the available evidence is currently insufficient to determine the role of this variant in disease. Therefore, it has been classified as a Variant of Uncertain Significance.

NM_001127511.3(APC):c.-115T>G

Gene: APC (APC regulator of Wnt signaling pathway; plus strand). Cytogenetic location: 5q22.2.
Variant type: single nucleotide variant.
Coding change: c.-115T>G on transcript NM_001127511.3; 115 bases upstream of the start codon, T replaced by G.
Molecular consequence: 5 prime UTR variant. On other transcripts: non-coding transcript variant (2).
Genome position (GRCh38, 1-based): chr5:112,707,603, T>G. VCF-style: chr5-112707603-T-G. GRCh37 (hg19) VCF-style: chr5-112043300-T-G.
Other names: c.-298T>G (NM_001354895.2, NM_001407447.1, NM_001407452.1 and 3 more transcripts); c.-115T>G (NM_001354897.2, NM_001354902.2, NM_001407446.1); c.-65T>G (NM_001407448.1, NM_001407450.1, NM_001407457.1 and 1 more transcripts); c.-89T>G (NM_001407453.1); c.-1333T>G (NM_001407470.1, NM_001407472.1).
Identifiers: ClinVar variation 2095586 (VCV002095586.4), dbSNP rs1580996349, ClinGen allele CA2580072300.